The following is an entry in ClinVar:

NM_003482.4(KMT2D):c.11787_11813dup (p.Gln3947_Leu3948insGlnLeuGlnGlnGlnGlnGlnGlnGln)

Gene: KMT2D (lysine methyltransferase 2D; minus strand). Cytogenetic location: 12q13.12.
Variant type: Duplication.
Coding change: c.11787_11813dup on transcript NM_003482.4 (MANE Select); coding-DNA positions 11787 to 11813, 27 bases duplicated (ACAGCTTCAACAGCAGCAACAGCAGCA).
Protein change: p.Gln3947_Leu3948insGlnLeuGlnGlnGlnGlnGlnGlnGln.
Molecular consequence: inframe insertion.
Genome position (GRCh38, 1-based): chr12:49,032,892-49,032,918, TGCTGCTGTTGCTGCTGTTGAAGCTGT duplicated on the plus strand (ACAGCTTCAACAGCAGCAACAGCAGCA on the coding strand, the reverse complement: KMT2D is on the minus strand); duplicating any 27 consecutive bases within chr12:49,032,892-49,032,926 gives the same sequence; the c. name uses the placement nearest the transcript's 3' end. VCF-style (leftmost placement, unchanged base first): chr12-49032891-C-CTGCTGCTGTTGCTGCTGTTGAAGCTGT. GRCh37 (hg19) VCF-style: chr12-49426674-C-CTGCTGCTGTTGCTGCTGTTGAAGCTGT.
Other names: c.11787_11813dup27 (NM_003482.3).
Identifiers: ClinVar variation 2736599 (VCV002736599.4), dbSNP rs767553883, ClinGen allele CA6546292.

ClinVar aggregate classification (germline): Conflicting classifications of pathogenicity. Review status: criteria provided, conflicting classifications (1 of 4 stars). 2 submissions from 2 submitters: Uncertain significance (1); Likely benign (1). Last evaluated 2025-04-07.

Conditions:
Kabuki syndrome. Also called: NIIKAWA-KUROKI SYNDROME; Kabuki make-up syndrome. Identifiers: Orphanet 2322, MedGen C0796004, MONDO:0016512.
KMT2D-related disorder. Also called: KMT2D-Related Disorders.

Submissions (2):

Labcorp Genetics (formerly Invitae), Labcorp
Classification: Likely benign for Kabuki syndrome. Last evaluated: 2025-04-07. Review status: criteria provided, single submitter. Criteria: Invitae Variant Classification Sherloc (09022015). Collection method: clinical testing. Allele origin: germline.

PreventionGenetics, part of Exact Sciences
Classification: Uncertain significance for KMT2D-related condition. Last evaluated: 2024-10-29. Review status: criteria provided, single submitter. Criteria: ACMG Guidelines, 2015. Collection method: clinical testing. Allele origin: germline.
Comment: The KMT2D c.11787_11813dup27 variant is predicted to result in an in-frame duplication (p.Gln3939_Gln3947dup). To our knowledge, this variant has not been reported in the literature. This variant is reported in 0.013% of alleles in individuals of South Asian descent in gnomAD. At this time, the clinical significance of this variant is uncertain due to the absence of conclusive functional and genetic evidence.